The following is an entry in ClinVar:

NM_000124.4(ERCC6):c.3355G>T (p.Glu1119Ter)

Gene: ERCC6 (ERCC excision repair 6, chromatin remodeling factor; minus strand). Cytogenetic location: 10q11.23.
Variant type: single nucleotide variant.
Coding change: c.3355G>T on transcript NM_000124.4 (MANE Select); coding-DNA position 3355, G replaced by T.
Protein change: p.Glu1119Ter; replaces glutamic acid 1119 with a stop codon.
Molecular consequence: nonsense.
Genome position (GRCh38, 1-based): chr10:49,470,605, C>A on the plus strand (G>T on the coding strand, the complement: ERCC6 is on the minus strand). VCF-style: chr10-49470605-C-A. GRCh37 (hg19) VCF-style: chr10-50678651-C-A.
Other names: c.3355G>T, p.Glu1119Ter (NM_001346440.2); short protein forms E1119*.
Identifiers: ClinVar variation 983690 (VCV000983690.3), dbSNP rs1850759141, ClinGen allele CA376715514.

ClinVar aggregate classification (germline): Likely pathogenic (1 of 4 stars; one submission).

Conditions:
Cockayne syndrome type 2 (CSB). Also called: Cockayne Syndrome, Type II; COCKAYNE SYNDROME B. Identifiers: Orphanet 191, Orphanet 90322, MedGen C0751038, MONDO:0019570, OMIM 133540.

Submission:

Myriad Genetics, Inc.
Classification: Likely pathogenic for Cockayne syndrome type 2. Last evaluated: 2019-06-28. Review status: criteria provided, single submitter. Criteria: Myriad Women's Health Autosomal Recessive and X-Linked Classification Criteria (2019). Collection method: clinical testing. Allele origin: unknown.
Comment: NM_000124.2(ERCC6):c.3355G>T(E1119*) is expected to be pathogenic in the context of ERCC6-related disorders. This variant is predicted to lead to an abnormal or absent protein product due to the creation of a premature termination codon in ERCC6, a gene where loss-of-function variants are known to be pathogenic. Please note: this variant was assessed in the context of healthy population screening.